The following is an entry in ClinVar:

ClinVar aggregate classification (germline): Uncertain significance. Review status: criteria provided, multiple submitters, no conflicts (2 of 4 stars). 2 submissions from 2 submitters: Uncertain significance (2). Last evaluated 2022-08-10.

Conditions:
Inborn genetic diseases. Identifiers: MedGen C0950123, MeSH D030342.

Allele frequency attached by ClinVar (database versions not stated): gnomAD exomes below 0.00001; TOPMed below 0.00001.
gnomAD v4.1: 1 of 1,613,912 alleles (0.000062%); highest among the groups gnomAD compares: South Asian, 0.0011%; no homozygotes.

Submissions (2):

Labcorp Genetics (formerly Invitae), Labcorp
Classification: Uncertain significance. Last evaluated: 2022-08-10. Review status: criteria provided, single submitter. Criteria: Invitae Variant Classification Sherloc (09022015). Collection method: clinical testing. Allele origin: germline.
Comment: This sequence change replaces isoleucine, which is neutral and non-polar, with valine, which is neutral and non-polar, at codon 1564 of the ATR protein (p.Ile1564Val). This variant is not present in population databases (gnomAD no frequency). This variant has not been reported in the literature in individuals affected with ATR-related conditions. Algorithms developed to predict the effect of missense changes on protein structure and function output the following: SIFT: "Tolerated"; PolyPhen-2: "Benign"; Align-GVGD: "Class C0". The valine amino acid residue is found in multiple mammalian species, which suggests that this missense change does not adversely affect protein function. In summary, the available evidence is currently insufficient to determine the role of this variant in disease. Therefore, it has been classified as a Variant of Uncertain Significance.

Ambry Genetics
Classification: Uncertain significance for Inborn genetic diseases. Last evaluated: 2021-11-22. Review status: criteria provided, single submitter. Criteria: Ambry Variant Classification Scheme 2023. Collection method: clinical testing. Allele origin: germline.
Comment: The p.I1564V variant (also known as c.4690A>G), located in coding exon 27 of the ATR gene, results from an A to G substitution at nucleotide position 4690. The isoleucine at codon 1564 is replaced by valine, an amino acid with highly similar properties. This amino acid position is conserved. In addition, this alteration is predicted to be tolerated by in silico analysis. Since supporting evidence is limited at this time, the clinical significance of this alteration remains unclear.

NM_001184.4(ATR):c.4690A>G (p.Ile1564Val)

Gene: ATR (ATR checkpoint kinase; minus strand). Cytogenetic location: 3q23.
Variant type: single nucleotide variant.
Coding change: c.4690A>G on transcript NM_001184.4 (MANE Select); coding-DNA position 4690, A replaced by G.
Protein change: p.Ile1564Val; replaces isoleucine 1564 with valine.
Molecular consequence: missense variant.
Genome position (GRCh38, 1-based): chr3:142,512,422, T>C on the plus strand (A>G on the coding strand, the complement: ATR is on the minus strand). VCF-style: chr3-142512422-T-C. GRCh37 (hg19) VCF-style: chr3-142231264-T-C.
Other names: c.4498A>G, p.Ile1500Val (NM_001354579.2); short protein forms I1500V, I1564V.
Identifiers: ClinVar variation 1742481 (VCV001742481.7), dbSNP rs1458143142, ClinGen allele CA354795672.
Genomic context (GRCh38, chr3:142,512,422, plus strand): 5'-TGGAGAACACAGTCTGTGTACTGAGTTGACACAGATCAGATGCAATGTCTTGGGTATTTA[T>C]GGTATGCTGATCGTCATGCTTTAGAACTGCCATAATTTCTGCATAAACCTATGAGAATCA-3'
Protein context (NP_001175.2, residues 1554-1574): AVLKHDDQHT[Ile1564Val]NTQDIASDLC